The following is an entry in ClinVar:

ClinVar aggregate classification (germline): Uncertain significance (1 of 4 stars; one submission).

Allele frequency attached by ClinVar (database versions not stated): gnomAD 0.00001; gnomAD exomes 0.00002; ExAC 0.00009; 1000 Genomes Project 0.00020; 1000 Genomes Project 30x 0.00031.
gnomAD v4.1: 33 of 1,610,864 alleles (0.002%); highest among the groups gnomAD compares: South Asian, 0.034%; no homozygotes.

Submission:

Labcorp Genetics (formerly Invitae), Labcorp
Classification: Uncertain significance. Last evaluated: 2023-02-22. Review status: criteria provided, single submitter. Criteria: Invitae Variant Classification Sherloc (09022015). Collection method: clinical testing. Allele origin: germline.
Comment: This sequence change replaces proline, which is neutral and non-polar, with arginine, which is basic and polar, at codon 681 of the C7 protein (p.Pro681Arg). This variant is present in population databases (rs560966807, gnomAD 0.05%). This variant has not been reported in the literature in individuals affected with C7-related conditions. Advanced modeling of protein sequence and biophysical properties (such as structural, functional, and spatial information, amino acid conservation, physicochemical variation, residue mobility, and thermodynamic stability) performed at Invitae indicates that this missense variant is expected to disrupt C7 protein function. In summary, the available evidence is currently insufficient to determine the role of this variant in disease. Therefore, it has been classified as a Variant of Uncertain Significance.

NM_000587.4(C7):c.2042C>G (p.Pro681Arg)

Gene: C7 (complement C7; plus strand). Cytogenetic location: 5p13.1.
Variant type: single nucleotide variant.
Coding change: c.2042C>G on transcript NM_000587.4 (MANE Select); coding-DNA position 2042, C replaced by G.
Protein change: p.Pro681Arg; replaces proline 681 with arginine.
Molecular consequence: missense variant.
Genome position (GRCh38, 1-based): chr5:40,972,562, C>G. VCF-style: chr5-40972562-C-G. GRCh37 (hg19) VCF-style: chr5-40972664-C-G.
Other names: short protein forms P681R.
Identifiers: ClinVar variation 1908014 (VCV001908014.3), dbSNP rs560966807, ClinGen allele CA3250173.